The following is an entry in ClinVar:

NM_001148.6(ANK2):c.8611A>G (p.Ile2871Val)

Gene: ANK2 (ankyrin 2; plus strand). Cytogenetic location: 4q26.
Variant type: single nucleotide variant.
Coding change: c.8611A>G on transcript NM_001148.6 (MANE Select); coding-DNA position 8611, A replaced by G.
Protein change: p.Ile2871Val; replaces isoleucine 2871 with valine.
Molecular consequence: missense variant. On other transcripts: intron variant (68).
Genome position (GRCh38, 1-based): chr4:113,357,229, A>G. VCF-style: chr4-113357229-A-G. GRCh37 (hg19) VCF-style: chr4-114278385-A-G.
Other names: c.8377A>G, p.Ile2793Val (NM_001386142.1); c.5011A>G, p.Ile1671Val (NM_001386166.1); c.8752A>G, p.Ile2918Val (NM_001386174.1); c.8728A>G, p.Ile2910Val (NM_001386175.1); c.4412-3594A>G (NM_001386186.2, NM_001386148.2); c.4214-3594A>G (NM_001354269.3); c.4292-3594A>G (NM_001386187.2); c.4253-3594A>G (NM_001386147.1); and 35 more; short protein forms I2871V, I2793V, I2918V, I1671V, I2910V.
Identifiers: ClinVar variation 1520551 (VCV001520551.6), dbSNP rs1199276950, ClinGen allele CA357934435.

ClinVar aggregate classification (germline): Uncertain significance (1 of 4 stars; one submission).

Conditions:
Long QT syndrome (LQTS). Identifiers: MedGen C0023976, MeSH D008133, MONDO:0002442. Disease mechanism: loss of function. Inheritance: Various modes of inheritance.

Allele frequency attached by ClinVar (database versions not stated): TOPMed 0.00001.
gnomAD v4.1: 2 of 1,614,098 alleles (0.00012%); highest among the groups gnomAD compares: Non-Finnish European, 0.00017%; no homozygotes.

Submission:

Labcorp Genetics (formerly Invitae), Labcorp
Classification: Uncertain significance for Long QT syndrome. Last evaluated: 2022-03-08. Review status: criteria provided, single submitter. Criteria: Invitae Variant Classification Sherloc (09022015). Collection method: clinical testing. Allele origin: germline.
Comment: In summary, the available evidence is currently insufficient to determine the role of this variant in disease. Therefore, it has been classified as a Variant of Uncertain Significance. Algorithms developed to predict the effect of missense changes on protein structure and function (SIFT, PolyPhen-2, Align-GVGD) all suggest that this variant is likely to be tolerated. This variant has not been reported in the literature in individuals affected with ANK2-related conditions. This variant is not present in population databases (gnomAD no frequency). This sequence change replaces isoleucine, which is neutral and non-polar, with valine, which is neutral and non-polar, at codon 2871 of the ANK2 protein (p.Ile2871Val).